The following is an entry in ClinVar:

ClinVar aggregate classification (germline): Uncertain significance (1 of 4 stars; one submission).

Submission:

Labcorp Genetics (formerly Invitae), Labcorp
Classification: Uncertain significance. Last evaluated: 2024-05-12. Review status: criteria provided, single submitter. Criteria: Invitae Variant Classification Sherloc (09022015). Collection method: clinical testing. Allele origin: germline.
Comment: This sequence change replaces cysteine, which is neutral and slightly polar, with tryptophan, which is neutral and slightly polar, at codon 243 of the COL11A1 protein (p.Cys243Trp). This variant is not present in population databases (gnomAD no frequency). This variant has not been reported in the literature in individuals affected with COL11A1-related conditions. An algorithm developed to predict the effect of missense changes on protein structure and function (PolyPhen-2) suggests that this variant is likely to be disruptive. In summary, the available evidence is currently insufficient to determine the role of this variant in disease. Therefore, it has been classified as a Variant of Uncertain Significance.

NM_001854.4(COL11A1):c.729T>G (p.Cys243Trp)

Gene: COL11A1 (collagen type XI alpha 1 chain; minus strand). Cytogenetic location: 1p21.1.
Variant type: single nucleotide variant.
Coding change: c.729T>G on transcript NM_001854.4 (MANE Select); coding-DNA position 729, T replaced by G.
Protein change: p.Cys243Trp; replaces cysteine 243 with tryptophan.
Molecular consequence: missense variant. On other transcripts: non-coding transcript variant (1).
Genome position (GRCh38, 1-based): chr1:103,031,167, A>C on the plus strand (T>G on the coding strand, the complement: COL11A1 is on the minus strand). VCF-style: chr1-103031167-A-C. GRCh37 (hg19) VCF-style: chr1-103496723-A-C.
Other names: c.729T>G, p.Cys243Trp (NM_001190709.2, NM_080629.3, NM_080630.4); short protein forms C243W.
Identifiers: ClinVar variation 3645541 (VCV003645541.2).
Genomic context (GRCh38, chr1:103,031,167, plus strand): 5'-GCTCCTCACCTCATCTATCTGAGGTTCCTGAGCTTGAGCAGCCTTGGGTGCTGAAGAGTC[A>C]CAGTCTGGACTATAATGCTCACAGTAGTCATATGCTGCCTTGGGATCACCTGTGATCAAA-3'
Protein context (NP_001845.3, residues 233-253): YDYCEHYSPD[Cys243Trp]DSSAPKAAQA